The following is an entry in ClinVar:

ClinVar aggregate classification (germline): Uncertain significance (1 of 4 stars; one submission).

Submission:

Labcorp Genetics (formerly Invitae), Labcorp
Classification: Uncertain significance. Last evaluated: 2023-08-30. Review status: criteria provided, single submitter. Criteria: Invitae Variant Classification Sherloc (09022015). Collection method: clinical testing. Allele origin: germline.
Comment: In summary, the available evidence is currently insufficient to determine the role of this variant in disease. Therefore, it has been classified as a Variant of Uncertain Significance. This variant has not been reported in the literature in individuals affected with WFS1-related conditions. This variant results in a copy number gain of the genomic region encompassing exon(s) 1-6 of the WFS1 gene. This region includes the initiator codon of the gene. This copy number gain extends beyond the assayed region for this gene and therefore may encompass additional genes. As the precise location of this event is unknown, it may be in tandem or it may be located elsewhere in the genome.

NC_000004.11:g.(?_6271704)_(6293744_?)dup

Gene: WFS1 (wolframin ER transmembrane glycoprotein; plus strand). Cytogenetic location: 4p16.1.
Variant type: Duplication.
Identifiers: ClinVar variation 1445303 (VCV001445303.5).